The following is an entry in ClinVar:

NM_001943.5(DSG2):c.2968A>G (p.Arg990Gly)

Genes: DSG2 (desmoglein 2; plus strand), DSG2-AS1 (DSG2 antisense RNA 1; minus strand). Cytogenetic location: 18q12.1.
Variant type: single nucleotide variant.
Coding change: c.2968A>G on transcript NM_001943.5 (MANE Select); coding-DNA position 2968, A replaced by G.
Protein change: p.Arg990Gly; replaces arginine 990 with glycine.
Molecular consequence: missense variant.
Genome position (GRCh38, 1-based): chr18:31,546,354, A>G. VCF-style: chr18-31546354-A-G. GRCh37 (hg19) VCF-style: chr18-29126317-A-G.
Other names: short protein forms R990G.
Identifiers: ClinVar variation 4088106 (VCV004088106.1).

ClinVar aggregate classification (germline): Uncertain significance (1 of 4 stars; one submission).

gnomAD v4.1: 1 of 1,613,352 alleles (0.000062%); highest among the groups gnomAD compares: Non-Finnish European, 0.000085%; no homozygotes.

Submission:

GeneDx
Classification: Uncertain significance. Last evaluated: 2025-03-25. Review status: criteria provided, single submitter. Criteria: GeneDx Variant Classification Process June 2021. Collection method: clinical testing. Allele origin: germline. Affected: yes.
Comment: Not observed at significant frequency in large population cohorts (gnomAD); In silico analysis supports that this missense variant has a deleterious effect on protein structure/function; Has not been previously published as pathogenic or benign to our knowledge